The following is an entry in ClinVar:

NM_080860.4(RSPH1):c.859C>T (p.Arg287Cys)

Gene: RSPH1 (radial spoke head component 1; minus strand). Cytogenetic location: 21q22.3.
Variant type: single nucleotide variant.
Coding change: c.859C>T on transcript NM_080860.4 (MANE Select); coding-DNA position 859, C replaced by T.
Protein change: p.Arg287Cys; replaces arginine 287 with cysteine.
Molecular consequence: missense variant.
Genome position (GRCh38, 1-based): chr21:42,475,916, G>A on the plus strand (C>T on the coding strand, the complement: RSPH1 is on the minus strand). VCF-style: chr21-42475916-G-A. GRCh37 (hg19) VCF-style: chr21-43896026-G-A.
Other names: c.745C>T, p.Arg249Cys (NM_001286506.2); short protein forms R287C, R249C.
Identifiers: ClinVar variation 408128 (VCV000408128.15), dbSNP rs143552625, ClinGen allele CA10043727.

ClinVar aggregate classification (germline): Uncertain significance. Review status: criteria provided, multiple submitters, no conflicts (2 of 4 stars). 4 submissions from 4 submitters: Uncertain significance (4). Last evaluated 2025-01-20.

Conditions:
Inborn genetic diseases. Identifiers: MedGen C0950123, MeSH D030342.
Primary ciliary dyskinesia. Also called: Ciliary dyskinesia. Identifiers: Orphanet 244, MedGen C0008780, MONDO:0016575, HP:0012265.

Allele frequency attached by ClinVar (database versions not stated): ExAC 0.00044; gnomAD exomes 0.00045 and 0.00075; gnomAD 0.00049 and 0.00051; TOPMed 0.00051; ESP Exome Variant Server 0.00062.
gnomAD v4.1: 1,141 of 1,611,144 alleles (0.071%); highest among the groups gnomAD compares: Non-Finnish European, 0.092%; 1 homozygote.

Submissions (4):

Labcorp Genetics (formerly Invitae), Labcorp
Classification: Uncertain significance for Primary ciliary dyskinesia. Last evaluated: 2025-01-20. Review status: criteria provided, single submitter. Criteria: Invitae Variant Classification Sherloc (09022015). Collection method: clinical testing. Allele origin: germline.
Comment: This sequence change replaces arginine, which is basic and polar, with cysteine, which is neutral and slightly polar, at codon 287 of the RSPH1 protein (p.Arg287Cys). This variant is present in population databases (rs143552625, gnomAD 0.09%), and has an allele count higher than expected for a pathogenic variant. This variant has not been reported in the literature in individuals affected with RSPH1-related conditions. ClinVar contains an entry for this variant (Variation ID: 408128). An algorithm developed to predict the effect of missense changes on protein structure and function (PolyPhen-2) suggests that this variant is likely to be disruptive. In summary, the available evidence is currently insufficient to determine the role of this variant in disease. Therefore, it has been classified as a Variant of Uncertain Significance.

Ambry Genetics
Classification: Uncertain significance for Inborn genetic diseases. Last evaluated: 2024-11-21. Review status: criteria provided, single submitter. Criteria: Ambry Variant Classification Scheme 2023. Collection method: clinical testing. Allele origin: germline.

UNC Molecular Genetics  Laboratory, University of North Carolina at Chapel Hill
Classification: Uncertain significance for Primary ciliary dyskinesia. Last evaluated: 2018-10-11. Review status: criteria provided, single submitter. Criteria: ACMG Guidelines, 2015. Collection method: clinical testing. Allele origin: germline. Observed: 1 heterozygote.

Eurofins Ntd Llc (ga)
Classification: Uncertain significance. Last evaluated: 2018-03-15. Review status: criteria provided, single submitter. Criteria: EGL ClinVar v180209 classification definitions. Collection method: clinical testing. Allele origin: germline. Observed: 1 variant allele, 1 heterozygote.